The following is an entry in ClinVar:

NM_020949.3(SLC7A14):c.1929C>T (p.Asn643=)

Genes: SLC7A14 (solute carrier family 7 member 14; minus strand), SLC7A14-AS1 (SLC7A14 antisense RNA 1; plus strand). Cytogenetic location: 3q26.2.
Variant type: single nucleotide variant.
Coding change: c.1929C>T on transcript NM_020949.3 (MANE Select); coding-DNA position 1929, C replaced by T.
Protein change: p.Asn643=; no amino-acid change (asparagine 643 retained).
Molecular consequence: synonymous variant.
Genome position (GRCh38, 1-based): chr3:170,480,353, G>A on the plus strand (C>T on the coding strand, the complement: SLC7A14 is on the minus strand). VCF-style: chr3-170480353-G-A. GRCh37 (hg19) VCF-style: chr3-170198142-G-A.
Identifiers: ClinVar variation 729313 (VCV000729313.14), dbSNP rs200812247, ClinGen allele CA2701544.

ClinVar aggregate classification (germline): Benign/Likely benign. Review status: criteria provided, multiple submitters, no conflicts (2 of 4 stars). 3 submissions from 3 submitters: Benign (1); Likely benign (1). 1 of the submissions does not count toward it. Last evaluated 2026-01-22.

Conditions:
SLC7A14-related disorder. Also called: SLC7A14-related condition.

Allele frequency attached by ClinVar (database versions not stated): gnomAD below 0.00001 and 0.00021; TOPMed 0.00006; gnomAD exomes 0.00044 and 0.00094; ExAC 0.00107; 1000 Genomes Project 30x 0.00141; 1000 Genomes Project 0.00160.
gnomAD v4.1: 684 of 1,596,540 alleles (0.043%); highest among the groups gnomAD compares: South Asian, 0.71%; 7 homozygotes.

Submissions (3):

Labcorp Genetics (formerly Invitae), Labcorp
Classification: Benign. Last evaluated: 2026-01-22. Review status: criteria provided, single submitter. Criteria: Invitae Variant Classification Sherloc (09022015). Collection method: clinical testing. Allele origin: germline.

Blueprint Genetics
Classification: Likely benign. Last evaluated: 2024-10-16. Review status: criteria provided, single submitter. Criteria: ACMG Guidelines, 2015. Collection method: clinical testing. Allele origin: germline.

PreventionGenetics, part of Exact Sciences
Classification: Benign for SLC7A14-related condition. Last evaluated: 2019-08-28. Review status: no assertion criteria provided. Collection method: clinical testing. Allele origin: germline. Not counted in ClinVar's aggregate classification.
Comment: This variant is classified as benign based on ACMG/AMP sequence variant interpretation guidelines (Richards et al. 2015 PMID: 25741868, with internal and published modifications).